The following is an entry in ClinVar:

ClinVar aggregate classification (germline): Uncertain significance (1 of 4 stars; one submission).

Conditions:
DOCK2 deficiency. Also called: Immunodeficiency 40. Identifiers: Orphanet 447737, MedGen C4225328, MONDO:0014637, OMIM 616433.

Allele frequency attached by ClinVar (database versions not stated): gnomAD 0.00001; gnomAD exomes 0.00001; TOPMed 0.00002.
gnomAD v4.1: 16 of 1,613,428 alleles (0.00099%); highest among the groups gnomAD compares: Non-Finnish European, 0.0014%; no homozygotes.

Submission:

Labcorp Genetics (formerly Invitae), Labcorp
Classification: Uncertain significance for DOCK2 deficiency. Last evaluated: 2025-11-03. Review status: criteria provided, single submitter. Criteria: Invitae Variant Classification Sherloc (09022015). Collection method: clinical testing. Allele origin: germline.
Comment: This sequence change replaces aspartic acid, which is acidic and polar, with asparagine, which is neutral and polar, at codon 1146 of the DOCK2 protein (p.Asp1146Asn). This variant is present in population databases (no rsID available, gnomAD 0.007%). This variant has not been reported in the literature in individuals affected with DOCK2-related conditions. ClinVar contains an entry for this variant (Variation ID: 1475266). An algorithm developed to predict the effect of missense changes on protein structure and function (PolyPhen-2) suggests that this variant is likely to be disruptive. In summary, the available evidence is currently insufficient to determine the role of this variant in disease. Therefore, it has been classified as a Variant of Uncertain Significance.

NM_004946.3(DOCK2):c.3436G>A (p.Asp1146Asn)

Gene: DOCK2 (dedicator of cytokinesis 2; plus strand). Cytogenetic location: 5q35.1.
Variant type: single nucleotide variant.
Coding change: c.3436G>A on transcript NM_004946.3 (MANE Select); coding-DNA position 3436, G replaced by A.
Protein change: p.Asp1146Asn; replaces aspartic acid 1146 with asparagine.
Molecular consequence: missense variant. On other transcripts: non-coding transcript variant (1).
Genome position (GRCh38, 1-based): chr5:170,027,917, G>A. VCF-style: chr5-170027917-G-A. GRCh37 (hg19) VCF-style: chr5-169454921-G-A.
Other names: short protein forms D1146N.
Identifiers: ClinVar variation 1475266 (VCV001475266.6), dbSNP rs1432443241, ClinGen allele CA362106352.